The following is an entry in ClinVar:

NM_001039348.3(EFEMP1):c.692C>T (p.Thr231Ile)

Gene: EFEMP1 (EGF-like fibulin extracellular matrix protein 1; minus strand). Cytogenetic location: 2p16.1.
Variant type: single nucleotide variant.
Coding change: c.692C>T on transcript NM_001039348.3 (MANE Select); coding-DNA position 692, C replaced by T.
Protein change: p.Thr231Ile; replaces threonine 231 with isoleucine.
Molecular consequence: missense variant.
Genome position (GRCh38, 1-based): chr2:55,877,814, G>A on the plus strand (C>T on the coding strand, the complement: EFEMP1 is on the minus strand). VCF-style: chr2-55877814-G-A. GRCh37 (hg19) VCF-style: chr2-56104949-G-A.
Other names: c.692C>T, p.Thr231Ile (NM_001039349.3); short protein forms T231I.
Identifiers: ClinVar variation 1952287 (VCV001952287.5), dbSNP rs1363264107, ClinGen allele CA347029296.

ClinVar aggregate classification (germline): Uncertain significance (1 of 4 stars; one submission).

Submission:

Labcorp Genetics (formerly Invitae), Labcorp
Classification: Uncertain significance. Last evaluated: 2022-01-04. Review status: criteria provided, single submitter. Criteria: Invitae Variant Classification Sherloc (09022015). Collection method: clinical testing. Allele origin: germline.
Comment: This sequence change replaces threonine, which is neutral and polar, with isoleucine, which is neutral and non-polar, at codon 231 of the EFEMP1 protein (p.Thr231Ile). This variant is not present in population databases (gnomAD no frequency). In summary, the available evidence is currently insufficient to determine the role of this variant in disease. Therefore, it has been classified as a Variant of Uncertain Significance. Algorithms developed to predict the effect of missense changes on protein structure and function (SIFT, PolyPhen-2, Align-GVGD) all suggest that this variant is likely to be disruptive. This variant has not been reported in the literature in individuals affected with EFEMP1-related conditions.